The following is an entry in ClinVar:

NM_201596.3(CACNB2):c.214-185A>G

Gene: CACNB2 (calcium voltage-gated channel auxiliary subunit beta 2; plus strand). Cytogenetic location: 10p12.31.
Variant type: single nucleotide variant.
Coding change: c.214-185A>G on transcript NM_201596.3 (MANE Select); 185 bases into the intron before coding-DNA position 214, A replaced by G.
Molecular consequence: intron variant.
Genome position (GRCh38, 1-based): chr10:18,401,739, A>G. VCF-style: chr10-18401739-A-G. GRCh37 (hg19) VCF-style: chr10-18690668-A-G.
Other names: c.130-185A>G (NM_201571.4, NM_001167945.2, NM_201572.4); c.214-185A>G (NM_201593.3, NM_201597.3); c.49-185A>G (NM_000724.4, NM_001330060.2); c.52-185A>G (NM_201590.3); c.70-185A>G (NM_201570.3).
Identifiers: ClinVar variation 671828 (VCV000671828.2), dbSNP rs3829133, ClinGen allele CA203567639.
Genomic context (GRCh38, chr10:18,401,739, plus strand): 5'-GAAGGATAGTTTTTTGGAATATAAAGCTTGGGAAGGAATGGCAACTCAGTAGACACAACT[A>G]TTCTATTGAATGTCTGCAAACCAGAGCATGGTTTTCTAGATAGGTTGCTGCAAAATGAAT-3'

ClinVar aggregate classification (germline): Benign. Review status: criteria provided, multiple submitters, no conflicts (2 of 4 stars). 2 submissions from 2 submitters: Benign (2). Last evaluated 2018-06-13.

Allele frequency attached by ClinVar (database versions not stated): TOPMed 0.11262; gnomAD 0.13585; 1000 Genomes Project 30x 0.14304; 1000 Genomes Project 0.15176.
gnomAD v4.1: 19,590 of 152,170 alleles (13%); highest among the groups gnomAD compares: East Asian, 24%; 1,605 homozygotes.

Submissions (2):

GeneDx
Classification: Benign. Last evaluated: 2018-06-13. Review status: criteria provided, single submitter. Criteria: GeneDx Variant Classification (06012015). Collection method: clinical testing. Allele origin: germline. Affected: yes.
Comment: This variant is considered likely benign or benign based on one or more of the following criteria: it is a conservative change, it occurs at a poorly conserved position in the protein, it is predicted to be benign by multiple in silico algorithms, and/or has population frequency not consistent with disease.

Breakthrough Genomics
Classification: Benign. Review status: criteria provided, single submitter. Criteria: ACMG Guidelines, 2015. Collection method: not provided. Allele origin: germline. Inheritance: Autosomal dominant inheritance. Affected: yes.